The following is an entry in ClinVar:

ClinVar aggregate classification (germline): Pathogenic (1 of 4 stars; one submission).

Conditions:
Hereditary spastic paraplegia 11. Also called: SPASTIC PARAPLEGIA, AUTOSOMAL RECESSIVE, COMPLICATED, WITH THIN CORPUS CALLOSUM; SPASTIC PARAPLEGIA, AUTOSOMAL RECESSIVE, WITH MENTAL IMPAIRMENT AND THIN CORPUS CALLOSUM; Spastic paraplegia, mental retardation and thin corpus callosum; Spastic Paraplegia 11; Nakamura Osame syndrome; Autosomal recessive hereditary spastic paraplegia, mental impairment, and thin corpus callosum. Identifiers: Orphanet 2822, MedGen C1858479, MONDO:0011445, OMIM 604360.

Submission:

Labcorp Genetics (formerly Invitae), Labcorp
Classification: Pathogenic for Hereditary spastic paraplegia 11. Last evaluated: 2023-10-17. Review status: criteria provided, single submitter. Criteria: Invitae Variant Classification Sherloc (09022015). Collection method: clinical testing. Allele origin: germline.
Comment: This sequence change creates a premature translational stop signal (p.Glu426Argfs*3) in the SPG11 gene. It is expected to result in an absent or disrupted protein product. Loss-of-function variants in SPG11 are known to be pathogenic (PMID: 19105190, 20110243, 22154821, 26556829). This variant is not present in population databases (gnomAD no frequency). This premature translational stop signal has been observed in individual(s) with hereditary spastic paraplegia (PMID: 27071356). ClinVar contains an entry for this variant (Variation ID: 1451169). For these reasons, this variant has been classified as Pathogenic.

Literature cited by the submitters: PubMed 19105190; PubMed 20110243; PubMed 22154821; PubMed 26556829; PubMed 27071356.

NM_025137.4(SPG11):c.1275dup (p.Glu426fs)

Gene: SPG11 (SPG11 vesicle trafficking associated, spatacsin; minus strand). Cytogenetic location: 15q21.1.
Variant type: Duplication.
Coding change: c.1275dup on transcript NM_025137.4 (MANE Select); coding-DNA position 1275, one base duplicated (A; older notation c.1275dupA).
Protein change: p.Glu426fs; shifts the reading frame from glutamic acid 426.
Molecular consequence: frameshift variant.
Genome position (GRCh38, 1-based): chr15:44,651,672, T duplicated on the plus strand (A on the coding strand, the reverse complement: SPG11 is on the minus strand). VCF-style (leftmost placement, unchanged base first): chr15-44651671-C-CT. GRCh37 (hg19) VCF-style: chr15-44943869-C-CT.
Other names: c.1275dup, p.Glu426fs (NM_001160227.2); short protein forms E426fs.
Identifiers: ClinVar variation 1451169 (VCV001451169.8), dbSNP rs2141106403, ClinGen allele CA2573150741.
Genomic context (GRCh38, chr15:44,651,671, plus strand): 5'-TCCTTTCCACTTCCCAAGTAAACAGTGCAGTGAATCCTGTCACAGACACACATTTAAGCT[C>CT]TATGGGTTCCTCTTGTTCACTGATGTGCATTATTTTCCATGATCTTCCTGGATCACTGGT-3'